The following is an entry in ClinVar:

ClinVar aggregate classification (germline): Likely pathogenic (1 of 4 stars; one submission).

Conditions:
alpha Thalassemia. Also called: Alpha thalassemia spectrum. Identifiers: Orphanet 846, MedGen C0002312, MONDO:0011399, OMIM 604131.

Submission:

Natera, Inc.
Classification: Likely pathogenic for Alpha thalassemia. Last evaluated: 2026-01-05. Review status: criteria provided, single submitter. Criteria: Natera Variant Classification Schema (03/2026). Collection method: clinical testing. Allele origin: germline.
Comment: The c.152_210del variant in HBA2 is a frameshift variant predicted to elongate the protein beyond the termination codon. This variant is expected to result in nonsense mediated decay, truncation, or a dysfunctional protein product. This variant is rare in the general population with a frequency below the threshold expected for the associated phenotype(s). Given the available evidence, this variant is classified as Likely Pathogenic.

NM_000517.6(HBA2):c.152_210del (p.His51fs)

Genes: HBA2 (hemoglobin subunit alpha 2; plus strand), LOC106804612 (hemoglobin subunit alpha 2 recombination region; plus strand). Cytogenetic location: 16p13.3.
Variant type: Deletion.
Coding change: c.152_210del on transcript NM_000517.6 (MANE Select); coding-DNA positions 152 to 210, 59 bases deleted.
Protein change: p.His51fs; shifts the reading frame from histidine 51.
Molecular consequence: frameshift variant.
Genome position (GRCh38, 1-based): chr16:173,181-173,239, 59 bases deleted. GRCh37 (hg19): chr16:223,180-223,238.
Other names: short protein forms H51fs.
Identifiers: ClinVar variation 4818629 (VCV004818629.1).